The following is an entry in ClinVar:

NM_017612.5(ZCCHC8):c.1140C>T (p.Asp380=)

Gene: ZCCHC8 (zinc finger CCHC-type containing 8; minus strand). Cytogenetic location: 12q24.31.
Variant type: single nucleotide variant.
Coding change: c.1140C>T on transcript NM_017612.5 (MANE Select); coding-DNA position 1140, C replaced by T.
Protein change: p.Asp380=; no amino-acid change (aspartic acid 380 retained).
Molecular consequence: synonymous variant.
Genome position (GRCh38, 1-based): chr12:122,480,190, G>A on the plus strand (C>T on the coding strand, the complement: ZCCHC8 is on the minus strand). VCF-style: chr12-122480190-G-A. GRCh37 (hg19) VCF-style: chr12-122964737-G-A.
Other names: c.909C>T, p.Asp303= (NM_001350935.2); c.843C>T, p.Asp281= (NM_001350936.2); c.426C>T, p.Asp142= (NM_001350937.2, NM_001350938.2).
Identifiers: ClinVar variation 1519200 (VCV001519200.6), dbSNP rs371388010, ClinGen allele CA6846287.

ClinVar aggregate classification (germline): Uncertain significance (1 of 4 stars; one submission).

Allele frequency attached by ClinVar (database versions not stated): gnomAD exomes 0.00007 and 0.00009; ESP Exome Variant Server 0.00008; TOPMed 0.00009; ExAC 0.00016; gnomAD 0.00018 and 0.00019.
gnomAD v4.1: 135 of 1,571,218 alleles (0.0086%); highest among the groups gnomAD compares: Admixed American, 0.023%; no homozygotes.

Submission:

Labcorp Genetics (formerly Invitae), Labcorp
Classification: Uncertain significance. Last evaluated: 2025-12-06. Review status: criteria provided, single submitter. Criteria: Invitae Variant Classification Sherloc (09022015). Collection method: clinical testing. Allele origin: germline.
Comment: This sequence change affects codon 380 of the ZCCHC8 mRNA. It is a 'silent' change, meaning that it does not change the encoded amino acid sequence of the ZCCHC8 protein. It affects a nucleotide within the consensus splice site. This variant is present in population databases (rs371388010, gnomAD 0.02%). This variant has not been reported in the literature in individuals affected with ZCCHC8-related conditions. ClinVar contains an entry for this variant (Variation ID: 1519200). Algorithms developed to predict the effect of sequence changes on RNA splicing suggest that this variant is not likely to affect RNA splicing. In summary, the available evidence is currently insufficient to determine the role of this variant in disease. Therefore, it has been classified as a Variant of Uncertain Significance.